The following is an entry in ClinVar:

NM_002576.5(PAK1):c.966C>A (p.Asn322Lys)

Gene: PAK1 (p21 (RAC1) activated kinase 1; minus strand). Cytogenetic location: 11q13.5.
Variant type: single nucleotide variant.
Coding change: c.966C>A on transcript NM_002576.5 (MANE Select); coding-DNA position 966, C replaced by A.
Protein change: p.Asn322Lys; replaces asparagine 322 with lysine.
Molecular consequence: missense variant. On other transcripts: non-coding transcript variant (2), intron variant (1).
Genome position (GRCh38, 1-based): chr11:77,343,851, G>T on the plus strand (C>A on the coding strand, the complement: PAK1 is on the minus strand). VCF-style: chr11-77343851-G-T. GRCh37 (hg19) VCF-style: chr11-77054896-G-T.
Other names: c.966C>A, p.Asn322Lys (NM_001128620.2, NM_001376268.1, NM_001376269.1 and 23 more transcripts); c.987C>A, p.Asn329Lys (NM_001376272.1); c.957C>A, p.Asn319Lys (NM_001376294.1); c.717C>A, p.Asn239Lys (NM_001376301.1); c.672C>A, p.Asn224Lys (NM_001376302.1, NM_001376304.1, NM_001376305.1); c.678C>A, p.Asn226Lys (NM_001376303.1); c.822-3088C>A (NM_001376295.1); short protein forms N319K, N329K, N224K, N226K, N239K, N322K.
Identifiers: ClinVar variation 3208032 (VCV003208032.2), dbSNP rs1036041813, ClinGen allele CA225032589.

ClinVar aggregate classification (germline): Uncertain significance (1 of 4 stars; one submission).

Conditions:
Inborn genetic diseases. Identifiers: MedGen C0950123, MeSH D030342.

Allele frequency attached by ClinVar (database versions not stated): TOPMed 0.00001.
gnomAD v4.1: 1 of 1,612,380 alleles (0.000062%); highest among the groups gnomAD compares: African/African-American, 0.0013%; no homozygotes.

Submission:

Ambry Genetics
Classification: Uncertain significance for Inborn genetic diseases. Last evaluated: 2024-04-08. Review status: criteria provided, single submitter. Criteria: Ambry Variant Classification Scheme 2023. Collection method: clinical testing. Allele origin: germline.
Comment: The c.966C>A (p.N322K) alteration is located in exon 10 (coding exon 9) of the PAK1 gene. This alteration results from a C to A substitution at nucleotide position 966, causing the asparagine (N) at amino acid position 322 to be replaced by a lysine (K). This variant was not reported in population-based cohorts in the Genome Aggregation Database (gnomAD). This amino acid position is well conserved in available vertebrate species. This missense alteration is located in a region that has a low rate of benign missense variation (Lek, 2016; Firth, 2009). This alteration is predicted to be tolerated by in silico analysis. Based on insufficient or conflicting evidence, the clinical significance of this alteration remains unclear.